The following is an entry in ClinVar:

ClinVar aggregate classification (germline): Uncertain significance. Review status: criteria provided, multiple submitters, no conflicts (2 of 4 stars). 2 submissions from 2 submitters: Uncertain significance (2). Last evaluated 2024-12-23.

Conditions:
Cardiovascular phenotype. Identifiers: MedGen CN230736.
Alstrom syndrome (ALMS). Identifiers: Orphanet 64, MedGen C0268425, MONDO:0008763, OMIM 203800.

Allele frequency attached by ClinVar (database versions not stated): gnomAD exomes below 0.00001; gnomAD 0.00001; TOPMed 0.00001.
gnomAD v4.1: 1 of 1,613,924 alleles (0.000062%); highest among the groups gnomAD compares: African/African-American, 0.0013%; no homozygotes.

Submissions (2):

Ambry Genetics
Classification: Uncertain significance for Cardiovascular phenotype. Last evaluated: 2024-12-23. Review status: criteria provided, single submitter. Criteria: Ambry Variant Classification Scheme 2023. Collection method: clinical testing. Allele origin: germline.
Comment: The p.S3741L variant (also known as c.11222C>T), located in coding exon 16 of the ALMS1 gene, results from a C to T substitution at nucleotide position 11222. The serine at codon 3741 is replaced by leucine, an amino acid with dissimilar properties. This amino acid position is highly conserved in available vertebrate species. In addition, the in silico prediction for this alteration is inconclusive. Based on the available evidence, the clinical significance of this variant remains unclear.

Labcorp Genetics (formerly Invitae), Labcorp
Classification: Uncertain significance for Alstrom syndrome. Last evaluated: 2024-02-17. Review status: criteria provided, single submitter. Criteria: Invitae Variant Classification Sherloc (09022015). Collection method: clinical testing. Allele origin: germline.
Comment: This sequence change replaces serine, which is neutral and polar, with leucine, which is neutral and non-polar, at codon 3741 of the ALMS1 protein (p.Ser3741Leu). This variant is present in population databases (no rsID available, gnomAD 0.0009%). This variant has not been reported in the literature in individuals affected with ALMS1-related conditions. ClinVar contains an entry for this variant (Variation ID: 853836). Experimental studies and prediction algorithms are not available or were not evaluated, and the functional significance of this variant is currently unknown. In summary, the available evidence is currently insufficient to determine the role of this variant in disease. Therefore, it has been classified as a Variant of Uncertain Significance.

NM_001378454.1(ALMS1):c.11219C>T (p.Ser3740Leu)

Gene: ALMS1 (ALMS1 centrosome and basal body associated protein; plus strand). Cytogenetic location: 2p13.1.
Variant type: single nucleotide variant.
Coding change: c.11219C>T on transcript NM_001378454.1 (MANE Select); coding-DNA position 11219, C replaced by T.
Protein change: p.Ser3740Leu; replaces serine 3740 with leucine.
Molecular consequence: missense variant.
Genome position (GRCh38, 1-based): chr2:73,573,096, C>T. VCF-style: chr2-73573096-C-T. GRCh37 (hg19) VCF-style: chr2-73800223-C-T.
Other names: c.11222C>T, p.Ser3741Leu (NM_015120.4); short protein forms S3740L, S3741L.
Identifiers: ClinVar variation 853836 (VCV000853836.5), dbSNP rs948097402, ClinGen allele CA50386868.